The following is an entry in ClinVar:

ClinVar aggregate classification (germline): Uncertain significance (1 of 4 stars; one submission).

Conditions:
Hereditary breast ovarian cancer syndrome. Also called: Hereditary breast and ovarian cancer syndrome; Hereditary breast and ovarian cancer syndrome (HBOC); BRCA1- and BRCA2-Associated Hereditary Breast and Ovarian Cancer; Hereditary breast and ovarian cancer; Breast and ovarian cancer; Hereditary breast and/or ovarian cancer syndrome. Identifiers: Orphanet 145, MedGen C0677776, MeSH D061325, MONDO:0003582. Disease mechanism: loss of function.

Submission:

Labcorp Genetics (formerly Invitae), Labcorp
Classification: Uncertain significance for Hereditary breast ovarian cancer syndrome. Last evaluated: 2025-03-26. Review status: criteria provided, single submitter. Criteria: Invitae Variant Classification Sherloc (09022015). Collection method: clinical testing. Allele origin: germline.
Comment: This sequence change replaces histidine, which is basic and polar, with glutamine, which is neutral and polar, at codon 1467 of the BRCA2 protein (p.His1467Gln). This variant is not present in population databases (gnomAD no frequency). This variant has not been reported in the literature in individuals affected with BRCA2-related conditions. Invitae Evidence Modeling of protein sequence and biophysical properties (such as structural, functional, and spatial information, amino acid conservation, physicochemical variation, residue mobility, and thermodynamic stability) indicates that this missense variant is not expected to disrupt BRCA2 protein function with a negative predictive value of 95%. In summary, the available evidence is currently insufficient to determine the role of this variant in disease. Therefore, it has been classified as a Variant of Uncertain Significance.

NM_000059.4(BRCA2):c.4401T>G (p.His1467Gln)

Gene: BRCA2 (BRCA2 DNA repair associated; plus strand). Cytogenetic location: 13q13.1.
Variant type: single nucleotide variant.
Coding change: c.4401T>G on transcript NM_000059.4 (MANE Select); coding-DNA position 4401, T replaced by G.
Protein change: p.His1467Gln; replaces histidine 1467 with glutamine.
Molecular consequence: missense variant. On other transcripts: non-coding transcript variant (1), intron variant (2).
Genome position (GRCh38, 1-based): chr13:32,338,756, T>G. VCF-style: chr13-32338756-T-G. GRCh37 (hg19) VCF-style: chr13-32912893-T-G.
Other names: c.4401T>G, p.His1467Gln (NM_001406719.1, NM_001406720.1, NM_001432077.1); c.1909+5369T>G (NM_001406721.1); c.425-5802T>G (NM_001406722.1); short protein forms H1467Q.
Identifiers: ClinVar variation 3636474 (VCV003636474.2).
Genomic context (GRCh38, chr13:32,338,756, plus strand): 5'-AAATTTCTTTGATCAGAAACCAGAAGAATTGCATAACTTTTCCTTAAATTCTGAATTACA[T>G]TCTGACATAAGAAAGAACAAAATGGACATTCTAAGTTATGAGGAAACAGACATAGTTAAA-3'
Protein context (NP_000050.3, residues 1457-1477): LHNFSLNSEL[His1467Gln]SDIRKNKMDI